The following is an entry in ClinVar:

NM_001267550.2(TTN):c.42933T>C (p.Asn14311=)

Gene: TTN (titin; minus strand). Cytogenetic location: 2q31.2.
Variant type: single nucleotide variant.
Coding change: c.42933T>C on transcript NM_001267550.2 (MANE Select); coding-DNA position 42933, T replaced by C.
Protein change: p.Asn14311=; no amino-acid change (asparagine 14311 retained).
Molecular consequence: synonymous variant.
Genome position (GRCh38, 1-based): chr2:178,633,426, A>G on the plus strand (T>C on the coding strand, the complement: TTN is on the minus strand). VCF-style: chr2-178633426-A-G. GRCh37 (hg19) VCF-style: chr2-179498153-A-G.
Other names: c.38010T>C, p.Asn12670= (NM_001256850.1); c.15738T>C, p.Asn5246= (NM_003319.4); c.35229T>C, p.Asn11743= (NM_133378.4); c.16113T>C, p.Asn5371= (NM_133432.3); c.16314T>C, p.Asn5438= (NM_133437.4).
Identifiers: ClinVar variation 282620 (VCV000282620.23), dbSNP rs148528251, ClinGen allele CA1995991.

ClinVar aggregate classification (germline): Conflicting classifications of pathogenicity. Review status: criteria provided, conflicting classifications (1 of 4 stars). 11 submissions from 7 submitters: Uncertain significance (4); Benign (1); Likely benign (6). Last evaluated 2026-01-19.

Conditions:
Cardiovascular phenotype. Identifiers: MedGen CN230736.
TTN-related disorder. Also called: TTN-related condition; TTN-related disease; TTN-related disorders.
Autosomal recessive limb-girdle muscular dystrophy type 2J (LGMDR10). Also called: MUSCULAR DYSTROPHY, LIMB-GIRDLE, AUTOSOMAL RECESSIVE 10; Limb-girdle muscular dystrophy, type 2J. Identifiers: Orphanet 140922, MedGen C1837342, MONDO:0012127, OMIM 608807.
Dilated cardiomyopathy 1G (CMD1G). Identifiers: Orphanet 154, MedGen C1858763, MONDO:0011400, OMIM 604145.
Myopathy, myofibrillar, 9, with early respiratory failure (MFM9). Also called: Myopathy, distal, with early respiratory failure, autosomal dominant; EDSTROM MYOPATHY; MYOPATHY, PROXIMAL, WITH EARLY RESPIRATORY MUSCLE INVOLVEMENT; Hereditary myopathy with early respiratory failure. Identifiers: Orphanet 178464, Orphanet 34521, MedGen C1863599, MONDO:0011362, OMIM 603689.
Early-onset myopathy with fatal cardiomyopathy (CMYO5). Also called: CONGENITAL MYOPATHY 5 WITH CARDIOMYOPATHY; Salih Myopathy. Identifiers: Orphanet 289377, MedGen C2673677, MONDO:0012714, OMIM 611705. Disease mechanism: loss of function.
Tibial muscular dystrophy (TMD). Also called: Tibial muscular dystrophy, tardive; UDD MYOPATHY; Udd Distal Myopathy – Tibial Muscular Dystrophy. Identifiers: Orphanet 609, MedGen C1838244, MONDO:0010870, OMIM 600334.

Allele frequency attached by ClinVar (database versions not stated): gnomAD 0.00002 and 0.00009; TOPMed 0.00002; gnomAD exomes 0.00003; ExAC 0.00004; 1000 Genomes Project 30x 0.00078; 1000 Genomes Project 0.00100.
gnomAD v4.1: 295 of 1,613,372 alleles (0.018%); highest among the groups gnomAD compares: East Asian, 0.64%; 3 homozygotes.

Submissions (11):

Labcorp Genetics (formerly Invitae), Labcorp
Classification: Likely benign for Dilated cardiomyopathy 1G; Autosomal recessive limb-girdle muscular dystrophy type 2J. Last evaluated: 2026-01-19. Review status: criteria provided, single submitter. Criteria: Invitae Variant Classification Sherloc (09022015). Collection method: clinical testing. Allele origin: germline.

PreventionGenetics, part of Exact Sciences
Classification: Likely benign for TTN-related condition. Last evaluated: 2025-08-07. Review status: criteria provided, single submitter. Criteria: ACMG Guidelines, 2015. Collection method: clinical testing. Allele origin: germline.
Comment: This variant is classified as likely benign based on ACMG/AMP sequence variant interpretation guidelines (Richards et al. 2015 PMID: 25741868, with internal and published modifications).

Women's Health and Genetics/Laboratory Corporation of America, LabCorp
Classification: Likely benign. Last evaluated: 2023-05-15. Review status: criteria provided, single submitter. Criteria: LabCorp Variant Classification Summary - May 2015. Collection method: clinical testing. Allele origin: germline.

Ambry Genetics
Classification: Likely benign for Cardiovascular phenotype. Last evaluated: 2020-11-04. Review status: criteria provided, single submitter. Criteria: Ambry Variant Classification Scheme 2023. Collection method: clinical testing. Allele origin: germline.

GeneDx
Classification: Likely benign. Last evaluated: 2020-05-20. Review status: criteria provided, single submitter. Criteria: GeneDx Variant Classification Process June 2021. Collection method: clinical testing. Allele origin: germline. Affected: yes.

Illumina Laboratory Services, Illumina
Classification: Uncertain significance for Autosomal recessive limb-girdle muscular dystrophy type 2J. Last evaluated: 2018-01-13. Review status: criteria provided, single submitter. Criteria: ICSL Variant Classification Criteria 13 December 2019. Collection method: clinical testing. Allele origin: germline.

Illumina Laboratory Services, Illumina
Classification: Benign for Tibial muscular dystrophy. Last evaluated: 2018-01-13. Review status: criteria provided, single submitter. Criteria: ICSL Variant Classification Criteria 13 December 2019. Collection method: clinical testing. Allele origin: germline.
Comment: This variant was observed in the ICSL laboratory as part of a predisposition screen in an ostensibly healthy population. It had not been previously curated by ICSL or reported in the Human Gene Mutation Database (HGMD: prior to June 1st, 2018), and was therefore a candidate for classification through an automated scoring system. Utilizing variant allele frequency, disease prevalence and penetrance estimates, and inheritance mode, an automated score was calculated to assess if this variant is too frequent to cause the disease. Based on the score and internal cut-off values, a variant classified as benign is not then subjected to further curation. The score for this variant resulted in a classification of benign for this disease.

Illumina Laboratory Services, Illumina
Classification: Uncertain significance for Dilated cardiomyopathy 1G. Last evaluated: 2018-01-13. Review status: criteria provided, single submitter. Criteria: ICSL Variant Classification Criteria 13 December 2019. Collection method: clinical testing. Allele origin: germline.

Illumina Laboratory Services, Illumina
Classification: Uncertain significance for Early-onset myopathy with fatal cardiomyopathy. Last evaluated: 2018-01-13. Review status: criteria provided, single submitter. Criteria: ICSL Variant Classification Criteria 13 December 2019. Collection method: clinical testing. Allele origin: germline.

Illumina Laboratory Services, Illumina
Classification: Likely benign for Myopathy, myofibrillar, 9, with early respiratory failure. Last evaluated: 2018-01-13. Review status: criteria provided, single submitter. Criteria: ICSL Variant Classification Criteria 13 December 2019. Collection method: clinical testing. Allele origin: germline.
Comment: This variant was observed in the ICSL laboratory as part of a predisposition screen in an ostensibly healthy population. It had not been previously curated by ICSL or reported in the Human Gene Mutation Database (HGMD: prior to June 1st, 2018), and was therefore a candidate for classification through an automated scoring system. Utilizing variant allele frequency, disease prevalence and penetrance estimates, and inheritance mode, an automated score was calculated to assess if this variant is too frequent to cause the disease. Based on the score and internal cut-off values, a variant classified as likely benign is not then subjected to further curation. The score for this variant resulted in a classification of likely benign for this disease.

Eurofins Ntd Llc (ga)
Classification: Uncertain significance. Last evaluated: 2015-08-13. Review status: criteria provided, single submitter. Criteria: EGL Classification Definitions 2015. Collection method: clinical testing. Allele origin: germline. Observed: 1 variant allele, 1 heterozygote.